The following is an entry in ClinVar:

ClinVar aggregate classification (germline): Pathogenic/Likely pathogenic. Review status: criteria provided, multiple submitters, no conflicts (2 of 4 stars). 5 submissions from 5 submitters: Pathogenic (2); Likely pathogenic (2). 1 of the submissions does not count toward it. Last evaluated 2025-12-29.

Conditions:
Bloom syndrome (BLM). Also called: Bloom-Torre-Machacek syndrome. Identifiers: Orphanet 125, MedGen C0005859, MONDO:0008876, OMIM 210900.

Submissions (5):

Myriad Genetics, Inc.
Classification: Pathogenic for Bloom syndrome. Last evaluated: 2025-12-29. Review status: criteria provided, single submitter. Criteria: Myriad Autosomal Dominant, Autosomal Recessive and X-Linked Classification Criteria (2023). Collection method: clinical testing. Allele origin: unknown.
Comment: This variant is considered pathogenic. This variant creates a frameshift predicted to result in premature protein truncation.

Labcorp Genetics (formerly Invitae), Labcorp
Classification: Pathogenic for Bloom syndrome. Last evaluated: 2024-07-06. Review status: criteria provided, single submitter. Criteria: Invitae Variant Classification Sherloc (09022015). Collection method: clinical testing. Allele origin: germline.
Comment: This sequence change creates a premature translational stop signal (p.Asp467Glyfs*22) in the BLM gene. It is expected to result in an absent or disrupted protein product. Loss-of-function variants in BLM are known to be pathogenic (PMID: 17407155). This variant is not present in population databases (gnomAD no frequency). This variant has not been reported in the literature in individuals affected with BLM-related conditions. ClinVar contains an entry for this variant (Variation ID: 551122). For these reasons, this variant has been classified as Pathogenic.

Fulgent Genetics
Classification: Likely pathogenic for Bloom syndrome. Last evaluated: 2024-06-13. Review status: criteria provided, single submitter. Criteria: ACMG Guidelines, 2015. Collection method: clinical testing. Allele origin: germline.

Baylor Genetics
Classification: Likely pathogenic for Bloom syndrome. Last evaluated: 2023-10-25. Review status: criteria provided, single submitter. Criteria: ACMG Guidelines, 2015. Collection method: clinical testing. Allele origin: unknown.

Counsyl
Classification: Likely pathogenic for Bloom syndrome. Last evaluated: 2017-03-15. Review status: no assertion criteria provided. Collection method: clinical testing. Allele origin: unknown. Not counted in ClinVar's aggregate classification.

Literature cited by the submitters: PubMed 17407155 (cited by Labcorp Genetics (formerly Invitae), Labcorp).

NM_000057.4(BLM):c.1399dup (p.Asp467fs)

Gene: BLM (BLM RecQ like helicase; plus strand). Cytogenetic location: 15q26.1.
Variant type: Duplication.
Coding change: c.1399dup on transcript NM_000057.4 (MANE Select); coding-DNA position 1399, one base duplicated (G; older notation c.1399dupG).
Protein change: p.Asp467fs; shifts the reading frame from aspartic acid 467.
Molecular consequence: frameshift variant.
Genome position (GRCh38, 1-based): chr15:90,760,772, G duplicated; the last of 4 consecutive G bases (chr15:90,760,769-90,760,772); duplicating any one gives the same sequence. VCF-style (leftmost placement, unchanged base first): chr15-90760768-T-TG. GRCh37 (hg19) VCF-style: chr15-91303998-T-TG.
Other names: c.1399dup, p.Asp467fs (NM_001287246.2, NM_001287247.2); c.274dup, p.Asp92fs (NM_001287248.2); c.1399dupG (NM_000057.3); short protein forms D467fs, D92fs.
Identifiers: ClinVar variation 551122 (VCV000551122.8), dbSNP rs1555419862, ClinGen allele CA658824612.